The following is an entry in ClinVar:

NM_030954.4(RNF170):c.535A>G (p.Thr179Ala)

Gene: RNF170 (ring finger protein 170; minus strand). Cytogenetic location: 8p11.21.
Variant type: single nucleotide variant.
Coding change: c.535A>G on transcript NM_030954.4 (MANE Select); coding-DNA position 535, A replaced by G.
Protein change: p.Thr179Ala; replaces threonine 179 with alanine.
Molecular consequence: missense variant. On other transcripts: non-coding transcript variant (2), intron variant (1).
Genome position (GRCh38, 1-based): chr8:42,856,401, T>C on the plus strand (A>G on the coding strand, the complement: RNF170 is on the minus strand). VCF-style: chr8-42856401-T-C. GRCh37 (hg19) VCF-style: chr8-42711544-T-C.
Other names: c.535A>G, p.Thr179Ala (NM_001160223.2); c.283A>G, p.Thr95Ala (NM_001160225.2); c.397-5404A>G (NM_001160224.2); short protein forms T179A, T95A.
Identifiers: ClinVar variation 4292591 (VCV004292591.1).

ClinVar aggregate classification (germline): Uncertain significance (1 of 4 stars; one submission).

Conditions:
Autosomal dominant sensory ataxia 1. Identifiers: MedGen C1837015, MONDO:0012166, OMIM 608984.

gnomAD v4.1: 1 of 1,610,700 alleles (0.000062%); highest among the groups gnomAD compares: Non-Finnish European, 0.000085%; no homozygotes.

Submission:

3billion
Classification: Uncertain significance for Autosomal dominant sensory ataxia 1. Last evaluated: 2024-11-13. Review status: criteria provided, single submitter. Criteria: ACMG Guidelines, 2015. Collection method: clinical testing. Allele origin: germline. Affected: yes.
Comment: The variant is observed at an extremely low frequency in the gnomAD v4.1.0 dataset (total allele frequency: <0.001%). Predicted Consequence/Location: Missense variant In silico tool predictions suggest damaging effect of the variant on gene or gene product [REVEL: 0.61 (>=0.6, sensitivity 0.68 and specificity 0.92)]. Therefore, this variant is classified as VUS according to the recommendation of ACMG/AMP guideline.